The following is an entry in ClinVar:

NM_001184.4(ATR):c.3941A>G (p.Asn1314Ser)

Gene: ATR (ATR checkpoint kinase; minus strand). Cytogenetic location: 3q23.
Variant type: single nucleotide variant.
Coding change: c.3941A>G on transcript NM_001184.4 (MANE Select); coding-DNA position 3941, A replaced by G.
Protein change: p.Asn1314Ser; replaces asparagine 1314 with serine.
Molecular consequence: missense variant.
Genome position (GRCh38, 1-based): chr3:142,535,084, T>C on the plus strand (A>G on the coding strand, the complement: ATR is on the minus strand). VCF-style: chr3-142535084-T-C. GRCh37 (hg19) VCF-style: chr3-142253926-T-C.
Other names: c.3749A>G, p.Asn1250Ser (NM_001354579.2); short protein forms N1250S, N1314S.
Identifiers: ClinVar variation 1910909 (VCV001910909.5), dbSNP rs2108424254, ClinGen allele CA354805673.
Genomic context (GRCh38, chr3:142,535,084, plus strand): 5'-TTTAAGCCTCCAATCTTTCTTTGTTATACATTTTTAATTATATCATATTAGCATACCTGA[T>C]TTTTATACAAGGTTTCCTTCAAGCTTGTAAGAGCATGAATACGAACATCGACATTTTCAT-3'
Protein context (NP_001175.2, residues 1304-1324): LTSLKETLYK[Asn1314Ser]QEKLIKYATD

ClinVar aggregate classification (germline): Uncertain significance (1 of 4 stars; one submission).

Submission:

Labcorp Genetics (formerly Invitae), Labcorp
Classification: Uncertain significance. Last evaluated: 2022-06-20. Review status: criteria provided, single submitter. Criteria: Invitae Variant Classification Sherloc (09022015). Collection method: clinical testing. Allele origin: germline.
Comment: In summary, the available evidence is currently insufficient to determine the role of this variant in disease. Therefore, it has been classified as a Variant of Uncertain Significance. Algorithms developed to predict the effect of missense changes on protein structure and function are either unavailable or do not agree on the potential impact of this missense change (SIFT: "Tolerated"; PolyPhen-2: "Possibly Damaging"; Align-GVGD: "Class C0"). This variant has not been reported in the literature in individuals affected with ATR-related conditions. This variant is not present in population databases (gnomAD no frequency). This sequence change replaces asparagine, which is neutral and polar, with serine, which is neutral and polar, at codon 1314 of the ATR protein (p.Asn1314Ser).